The following is an entry in ClinVar:

NM_006231.4(POLE):c.6058C>G (p.Pro2020Ala)

Gene: POLE (DNA polymerase epsilon, catalytic subunit; minus strand). Cytogenetic location: 12q24.33.
Variant type: single nucleotide variant.
Coding change: c.6058C>G on transcript NM_006231.4 (MANE Select); coding-DNA position 6058, C replaced by G.
Protein change: p.Pro2020Ala; replaces proline 2020 with alanine.
Molecular consequence: missense variant.
Genome position (GRCh38, 1-based): chr12:132,632,742, G>C on the plus strand (C>G on the coding strand, the complement: POLE is on the minus strand). VCF-style: chr12-132632742-G-C. GRCh37 (hg19) VCF-style: chr12-133209328-G-C.
Other names: short protein forms P2020A.
Identifiers: ClinVar variation 959313 (VCV000959313.13), dbSNP rs770751491, ClinGen allele CA6892293.

ClinVar aggregate classification (germline): Uncertain significance. Review status: criteria provided, multiple submitters, no conflicts (2 of 4 stars). 2 submissions from 2 submitters: Uncertain significance (2). Last evaluated 2025-03-10.

Conditions:
Hereditary cancer-predisposing syndrome. Also called: Tumor predisposition; Hereditary neoplastic syndrome; Neoplastic Syndromes, Hereditary; Hereditary Cancer Syndrome. Identifiers: Orphanet 140162, MedGen C0027672, MeSH D009386, MONDO:0015356.

Allele frequency attached by ClinVar (database versions not stated): gnomAD exomes below 0.00001; ExAC 0.00001.
gnomAD v4.1: 2 of 1,613,324 alleles (0.00012%); highest among the groups gnomAD compares: Non-Finnish European, 0.00017%; no homozygotes.

Submissions (2):

Ambry Genetics
Classification: Uncertain significance for Hereditary cancer-predisposing syndrome. Last evaluated: 2025-03-10. Review status: criteria provided, single submitter. Criteria: Ambry Variant Classification Scheme 2023. Collection method: clinical testing. Allele origin: germline.
Comment: The p.P2020A variant (also known as c.6058C>G), located in coding exon 44 of the POLE gene, results from a C to G substitution at nucleotide position 6058. The proline at codon 2020 is replaced by alanine, an amino acid with highly similar properties. This amino acid position is conserved. In addition, this alteration is predicted to be tolerated by in silico analysis. Based on the available evidence, the clinical significance of this variant remains unclear.

Labcorp Genetics (formerly Invitae), Labcorp
Classification: Uncertain significance. Last evaluated: 2024-10-15. Review status: criteria provided, single submitter. Criteria: Invitae Variant Classification Sherloc (09022015). Collection method: clinical testing. Allele origin: germline.
Comment: This sequence change replaces proline, which is neutral and non-polar, with alanine, which is neutral and non-polar, at codon 2020 of the POLE protein (p.Pro2020Ala). This variant is present in population databases (rs770751491, gnomAD 0.0009%). This variant has not been reported in the literature in individuals affected with POLE-related conditions. ClinVar contains an entry for this variant (Variation ID: 959313). Invitae Evidence Modeling of protein sequence and biophysical properties (such as structural, functional, and spatial information, amino acid conservation, physicochemical variation, residue mobility, and thermodynamic stability) indicates that this missense variant is not expected to disrupt POLE protein function with a negative predictive value of 80%. In summary, the available evidence is currently insufficient to determine the role of this variant in disease. Therefore, it has been classified as a Variant of Uncertain Significance.